The following is an entry in ClinVar:

NM_017871.6(INTS11):c.1652T>A (p.Val551Glu)

Gene: INTS11 (integrator complex subunit 11; minus strand). Cytogenetic location: 1p36.33.
Variant type: single nucleotide variant.
Coding change: c.1652T>A on transcript NM_017871.6 (MANE Select); coding-DNA position 1652, T replaced by A.
Protein change: p.Val551Glu; replaces valine 551 with glutamic acid.
Molecular consequence: missense variant.
Genome position (GRCh38, 1-based): chr1:1,312,103, A>T on the plus strand (T>A on the coding strand, the complement: INTS11 is on the minus strand). VCF-style: chr1-1312103-A-T. GRCh37 (hg19) VCF-style: chr1-1247483-A-T.
Other names: p.V551E; c.1652T>A (NM_017871.4); c.1670T>A, p.Val557Glu (NM_001256456.2); c.1565T>A, p.Val522Glu (NM_001256460.2); c.1358T>A, p.Val453Glu (NM_001256462.2); c.1349T>A, p.Val450Glu (NM_001256463.2); short protein forms V450E, V453E, V522E, V551E, V557E.
Identifiers: ClinVar variation 3359222 (VCV003359222.3).

ClinVar aggregate classification (germline): Uncertain significance. Review status: criteria provided, single submitter (1 of 4 stars). 2 submissions from 2 submitters: Uncertain significance (1). 1 of the submissions does not count toward it. Last evaluated 2026-06-17.

Conditions:
Neurodevelopmental disorder with motor and language delay, ocular defects, and brain abnormalities (NEDMLOB). Identifiers: MedGen C5830596, MONDO:0957386, OMIM 620428.

Submissions (2):

Ambry Genetics
Classification: Uncertain significance. Last evaluated: 2026-06-17. Review status: criteria provided, single submitter. Criteria: Ambry Variant Classification Scheme 2023. Collection method: clinical testing. Allele origin: germline.
Comment: The c.1652T>A (p.V551E) alteration is located in exon 16 (coding exon 16) of the CPSF3L gene. This alteration results from a T to A substitution at nucleotide position 1652, causing the valine (V) at amino acid position 551 to be replaced by a glutamic acid (E). The Genome Aggregation Database (gnomAD) data for this variant is unreliable due to technical and/or biological issues; therefore, population frequency estimates were not considered. This variant has been identified in the homozygous state and/or in conjunction with other INTS11 variant(s) in individual(s) with features consistent with INTS11-related NDD; in at least one instance, the variants were identified in trans (Tepe, 2023). Note, this variant is also referred to as p.Val557Glu in the literature. This amino acid position is well conserved in available vertebrate species. The in silico prediction for this alteration is inconclusive. Based on insufficient or conflicting evidence, the clinical significance of this alteration remains unclear.

Undiagnosed Diseases Network, NIH
Classification: Likely pathogenic for Neurodevelopmental disorder with motor and language delay, ocular defects, and brain abnormalities. Last evaluated: 2024-04-17. Review status: no assertion criteria provided. Collection method: clinical testing. Allele origin: maternal. Affected: yes. Observed: 2 variant alleles, 1 heterozygote, 1 compound heterozygote. Study: Undiagnosed Diseases Network (NIH), UDN. Not counted in ClinVar's aggregate classification.
Comment: PMID: 37054711; Family 3. Variant pathogenicity studied in Drosophila, likely mild LOF allele.

Literature cited by the submitters: PubMed 37054711 (cited by Ambry Genetics and Undiagnosed Diseases Network, NIH).